The following is an entry in ClinVar:

ClinVar aggregate classification (germline): Uncertain significance (1 of 4 stars; one submission).

Conditions:
Blau syndrome (BLAUS). Also called: GRANULOMATOSIS, FAMILIAL JUVENILE SYSTEMIC; GRANULOMATOSIS, FAMILIAL, BLAU TYPE; GRANULOMATOUS INFLAMMATORY ARTHRITIS, DERMATITIS, AND UVEITIS, FAMILIAL; JABS SYNDROME; ARTHROCUTANEOUVEAL GRANULOMATOSIS. Identifiers: Orphanet 90340, MedGen C5201146, MONDO:0008523, OMIM 186580.
Regional enteritis. Also called: Enteritis, Granulomatous. Identifiers: MedGen C0678202, MeSH D003424.

Allele frequency attached by ClinVar (database versions not stated): gnomAD exomes below 0.00001; ExAC 0.00001; gnomAD 0.00001.
gnomAD v4.1: 7 of 1,613,022 alleles (0.00043%); highest among the groups gnomAD compares: Non-Finnish European, 0.00059%; no homozygotes.

Submission:

Labcorp Genetics (formerly Invitae), Labcorp
Classification: Uncertain significance for Regional enteritis; Blau syndrome. Last evaluated: 2019-01-16. Review status: criteria provided, single submitter. Criteria: Invitae Variant Classification Sherloc (09022015). Collection method: clinical testing. Allele origin: germline.
Comment: This sequence change replaces leucine with phenylalanine at codon 1007 of the NOD2 protein (p.Leu1007Phe). The leucine residue is highly conserved and there is a small physicochemical difference between leucine and phenylalanine. This variant is present in population databases (rs761083670, ExAC 0.001%). This variant has not been reported in the literature in individuals with NOD2-related conditions. Algorithms developed to predict the effect of missense changes on protein structure and function are either unavailable or do not agree on the potential impact of this missense change (SIFT: "Deleterious"; PolyPhen-2: "Probably Damaging"; Align-GVGD: "Class C0"). In summary, the available evidence is currently insufficient to determine the role of this variant in disease. Therefore, it has been classified as a Variant of Uncertain Significance.

NM_001370466.1(NOD2):c.2938C>T (p.Leu980Phe)

Genes: NOD2 (nucleotide binding oligomerization domain containing 2; plus strand), CYLD-AS1 (CYLD antisense RNA 1; minus strand). Cytogenetic location: 16q12.1.
Variant type: single nucleotide variant.
Coding change: c.2938C>T on transcript NM_001370466.1 (MANE Select); coding-DNA position 2938, C replaced by T.
Protein change: p.Leu980Phe; replaces leucine 980 with phenylalanine.
Molecular consequence: missense variant. On other transcripts: non-coding transcript variant (1).
Genome position (GRCh38, 1-based): chr16:50,729,870, C>T. VCF-style: chr16-50729870-C-T. GRCh37 (hg19) VCF-style: chr16-50763781-C-T.
Other names: c.3019C>T, p.Leu1007Phe (NM_022162.3); c.2938C>T, p.Leu980Phe (NM_001293557.2); short protein forms L980F, L1007F.
Identifiers: ClinVar variation 841083 (VCV000841083.10), dbSNP rs761083670, ClinGen allele CA8052048.